The following is an entry in ClinVar:

ClinVar aggregate classification (germline): Likely pathogenic (1 of 4 stars; one submission).

Conditions:
Treacher Collins syndrome 1 (TCS1). Also called: TCOF1-Related Treacher Collins Syndrome. Identifiers: Orphanet 861, MedGen CN315775, MONDO:0007944, OMIM 154500.

Submission:

3billion
Classification: Likely pathogenic for Treacher Collins syndrome 1. Last evaluated: 2022-05-22. Review status: criteria provided, single submitter. Criteria: ACMG Guidelines, 2015. Collection method: clinical testing. Allele origin: germline. Affected: yes. Observed: 1 heterozygote.
Comment: The variant is not observed in the gnomAD v2.1.1 dataset. Frameshift: predicted to result in a loss or disruption of normal protein function through nonsense-mediated decay (NMD) or protein truncation. Multiple pathogenic variants are reported downstream of the variant. Therefore, this variant is classified as likely pathogenic according to the recommendation of ACMG/AMP guideline.

NM_001371623.1(TCOF1):c.1399del (p.Gln467fs)

Gene: TCOF1 (treacle ribosome biogenesis factor 1; plus strand). Cytogenetic location: 5q32.
Variant type: Deletion.
Coding change: c.1399del on transcript NM_001371623.1 (MANE Select); coding-DNA position 1399, one base deleted (C; older notation c.1399delC).
Protein change: p.Gln467fs; shifts the reading frame from glutamine 467.
Molecular consequence: frameshift variant.
Genome position (GRCh38, 1-based): chr5:150,375,074, C deleted; the last of 2 consecutive C bases (chr5:150,375,073-150,375,074); deleting either gives the same sequence. VCF-style (leftmost placement, unchanged base first): chr5-150375072-TC-T. GRCh37 (hg19) VCF-style: chr5-149754635-TC-T.
Other names: c.1168del, p.Gln390fs (NM_000356.4, NM_001135245.2); c.1399del, p.Gln467fs (NM_001008657.3, NM_001135243.2, NM_001135244.2 and 1 more transcripts); short protein forms Q390fs, Q467fs.
Identifiers: ClinVar variation 1687378 (VCV001687378.1), dbSNP rs2150706662, ClinGen allele CA2573139298.